The following is an entry in ClinVar:

NM_012186.3(FOXE3):c.242C>T (p.Ala81Val)

Genes: FOXE3 (forkhead box E3; plus strand), LINC01389 (long intergenic non-protein coding RNA 1389; minus strand). Cytogenetic location: 1p33.
Variant type: single nucleotide variant.
Coding change: c.242C>T on transcript NM_012186.3 (MANE Select); coding-DNA position 242, C replaced by T.
Protein change: p.Ala81Val; replaces alanine 81 with valine.
Molecular consequence: missense variant.
Genome position (GRCh38, 1-based): chr1:47,416,557, C>T. VCF-style: chr1-47416557-C-T. GRCh37 (hg19) VCF-style: chr1-47882229-C-T.
Other names: short protein forms A81V.
Identifiers: ClinVar variation 3851315 (VCV003851315.1).
Genomic context (GRCh38, chr1:47,416,557, plus strand): 5'-GGCGGCGGCGGCGGCCCCTGCAGCGCGGGAAGCCGCCCTACTCGTACATCGCGCTCATCG[C>T]CATGGCTCTGGCGCACGCCCCGGGCCGCCGCCTCACGCTGGCCGCCATCTACCGCTTCAT-3'
Protein context (NP_036318.1, residues 71-91): KPPYSYIALI[Ala81Val]MALAHAPGRR

ClinVar aggregate classification (germline): Uncertain significance (1 of 4 stars; one submission).

Conditions:
Cardiovascular phenotype. Identifiers: MedGen CN230736.

gnomAD v4.1: 1 of 1,596,386 alleles (0.000063%); highest among the groups gnomAD compares: Middle Eastern, 0.017%; no homozygotes.

Submission:

Ambry Genetics
Classification: Uncertain significance for Cardiovascular phenotype. Last evaluated: 2024-12-28. Review status: criteria provided, single submitter. Criteria: Ambry Variant Classification Scheme 2023. Collection method: clinical testing. Allele origin: germline.
Comment: The p.A81V variant (also known as c.242C>T), located in coding exon 1 of the FOXE3 gene, results from a C to T substitution at nucleotide position 242. The alanine at codon 81 is replaced by valine, an amino acid with similar properties. This amino acid position is conserved. In addition, the in silico prediction for this alteration is inconclusive. Based on the available evidence, the clinical significance of this variant remains unclear.